The following is an entry in ClinVar:

ClinVar aggregate classification (germline): Uncertain significance (1 of 4 stars; one submission).

gnomAD v4.1: 1 of 1,581,436 alleles (0.000063%); highest among the groups gnomAD compares: Admixed American, 0.0018%; no homozygotes.

Submission:

Women's Health and Genetics/Laboratory Corporation of America, LabCorp
Classification: Uncertain significance. Last evaluated: 2025-03-18. Review status: criteria provided, single submitter. Criteria: LabCorp Variant Classification Summary - May 2015. Collection method: clinical testing. Allele origin: germline.
Comment: Variant summary: PPP1R12A c.2667-5T>C alters a conserved nucleotide located close to a canonical splice site and therefore could affect mRNA splicing, leading to a significantly altered protein sequence. Several computational tools predict a significant impact on normal splicing: Two predict the variant weakens a 3' acceptor site. One predict the variant no significant impact on splicing. However, these predictions have yet to be confirmed by functional studies. The variant allele was found at a frequency of 6.3e-07 in 1581436 control chromosomes. The available data on variant occurrences in the general population are insufficient to allow any conclusion about variant significance. To our knowledge, no occurrence of c.2667-5T>C in individuals affected with Genitourinary And/or Brain Malformation Syndrome and no experimental evidence demonstrating its impact on protein function have been reported. No submitters have cited clinical-significance assessments for this variant to ClinVar. Based on the evidence outlined above, the variant was classified as uncertain significance.

NM_002480.3(PPP1R12A):c.2667-5T>C

Gene: PPP1R12A (protein phosphatase 1 regulatory subunit 12A; minus strand). Cytogenetic location: 12q21.2.
Variant type: single nucleotide variant.
Coding change: c.2667-5T>C on transcript NM_002480.3 (MANE Select); 5 bases into the intron before coding-DNA position 2667, T replaced by C.
Molecular consequence: intron variant.
Genome position (GRCh38, 1-based): chr12:79,788,788, A>G on the plus strand (T>C on the coding strand, the complement: PPP1R12A is on the minus strand). VCF-style: chr12-79788788-A-G. GRCh37 (hg19) VCF-style: chr12-80182568-A-G.
Other names: c.2499-5T>C (NM_001244992.1); c.2667-5T>C (NM_001244990.2, NM_001143885.2); c.2406-5T>C (NM_001143886.2).
Identifiers: ClinVar variation 3895561 (VCV003895561.1).